The following is an entry in ClinVar:

NM_001845.6(COL4A1):c.4091C>A (p.Pro1364His)

Gene: COL4A1 (collagen type IV alpha 1 chain; minus strand). Cytogenetic location: 13q34.
Variant type: single nucleotide variant.
Coding change: c.4091C>A on transcript NM_001845.6 (MANE Select); coding-DNA position 4091, C replaced by A.
Protein change: p.Pro1364His; replaces proline 1364 with histidine.
Molecular consequence: missense variant.
Genome position (GRCh38, 1-based): chr13:110,164,921, G>T on the plus strand (C>A on the coding strand, the complement: COL4A1 is on the minus strand). VCF-style: chr13-110164921-G-T. GRCh37 (hg19) VCF-style: chr13-110817268-G-T.
Other names: short protein forms P1364H.
Identifiers: ClinVar variation 4772049 (VCV004772049.1).

ClinVar aggregate classification (germline): Uncertain significance (1 of 4 stars; one submission).

Submission:

Labcorp Genetics (formerly Invitae), Labcorp
Classification: Uncertain significance. Last evaluated: 2026-01-27. Review status: criteria provided, single submitter. Criteria: Invitae Variant Classification Sherloc (09022015). Collection method: clinical testing. Allele origin: germline.
Comment: This sequence change replaces proline, which is neutral and non-polar, with histidine, which is basic and polar, at codon 1364 of the COL4A1 protein (p.Pro1364His). This variant is not present in population databases (gnomAD no frequency). This variant has not been reported in the literature in individuals affected with COL4A1-related conditions. Invitae Evidence Modeling of protein sequence and biophysical properties (such as structural, functional, and spatial information, amino acid conservation, physicochemical variation, residue mobility, and thermodynamic stability) indicates that this missense variant is not expected to disrupt COL4A1 protein function with a negative predictive value of 95%. In summary, the available evidence is currently insufficient to determine the role of this variant in disease. Therefore, it has been classified as a Variant of Uncertain Significance.